The following is an entry in ClinVar:

ClinVar aggregate classification (germline): Uncertain significance (1 of 4 stars; one submission).

Conditions:
BRWD3-related disorder. Also called: BRWD3-related condition.

Submission:

PreventionGenetics, part of Exact Sciences
Classification: Uncertain significance for BRWD3-related condition. Last evaluated: 2026-04-24. Review status: criteria provided, single submitter. Criteria: ACMG Guidelines, 2015. Collection method: clinical testing. Allele origin: germline.
Comment: The BRWD3 c.1449A>C variant is not predicted to result in an amino acid change (p.=). This variant is predicted to alter splicing based on available splicing prediction programs (SpliceAI, Jaganathan et al. 2019. PubMed ID: 30661751). To our knowledge, this variant has not been reported in the literature or in a large population database (gnomAD), indicating this variant is rare. At this time, the clinical significance of this variant is uncertain due to the absence of conclusive functional and genetic evidence.

NM_153252.5(BRWD3):c.1449A>C (p.Ser483=)

Gene: BRWD3 (bromodomain and WD repeat domain containing 3; minus strand). Cytogenetic location: Xq21.1.
Variant type: single nucleotide variant.
Coding change: c.1449A>C on transcript NM_153252.5 (MANE Select); coding-DNA position 1449, A replaced by C.
Protein change: p.Ser483=; no amino-acid change (serine 483 retained).
Molecular consequence: synonymous variant.
Genome position (GRCh38, 1-based): chrX:80,725,005, T>G on the plus strand (A>C on the coding strand, the complement: BRWD3 is on the minus strand). VCF-style: chrX-80725005-T-G. GRCh37 (hg19) VCF-style: chrX-79980504-T-G.
Other names: c.1449A>C, p.Ser483= (NM_001441339.1).
Identifiers: ClinVar variation 4991772 (VCV004991772.1).